The following is an entry in ClinVar:

NM_001849.4(COL6A2):c.1000-2A>C

Gene: COL6A2 (collagen type VI alpha 2 chain; plus strand). Cytogenetic location: 21q22.3.
Variant type: single nucleotide variant.
Coding change: c.1000-2A>C on transcript NM_001849.4 (MANE Select); the canonical splice acceptor site of the intron before coding-DNA position 1000, A replaced by C.
Molecular consequence: splice acceptor variant.
Genome position (GRCh38, 1-based): chr21:46,117,398, A>C. VCF-style: chr21-46117398-A-C. GRCh37 (hg19) VCF-style: chr21-47537312-A-C.
Other names: c.1000-2A>C (NM_058175.3, NM_058174.3).
Identifiers: ClinVar variation 476446 (VCV000476446.13), dbSNP rs1555873356, ClinGen allele CA410527294.

ClinVar aggregate classification (germline): Pathogenic. Review status: criteria provided, multiple submitters, no conflicts (2 of 4 stars). 3 submissions from 3 submitters: Pathogenic (3). Last evaluated 2024-03-14.

Conditions:
Bethlem myopathy 1A. Also called: Bethlem Muscular Dystrophy; MYOPATHY, BENIGN CONGENITAL, WITH CONTRACTURES; Bethlem myopathy 1. Identifiers: Orphanet 610, MedGen CN029274, MONDO:0024530, OMIM 158810.

Submissions (3):

Labcorp Genetics (formerly Invitae), Labcorp
Classification: Pathogenic for Bethlem myopathy 1A. Last evaluated: 2024-03-14. Review status: criteria provided, single submitter. Criteria: Invitae Variant Classification Sherloc (09022015). Collection method: clinical testing. Allele origin: germline.
Comment: This sequence change affects an acceptor splice site in intron 10 of the COL6A2 gene. It is expected to disrupt RNA splicing. Variants that disrupt the donor or acceptor splice site typically lead to a loss of protein function (PMID: 16199547), and loss-of-function variants in COL6A2 are known to be disease-causing for autosomal recessive COL6A2-related conditions (PMID: 21280092, 20976770). However, certain variants affecting donor or acceptor splice sites in the triple helical domain of COL6A2 are expected to result in in-frame exon skipping and have been reported to cause autosomal dominant COL6A2-related conditions (PMID: 18366090). This variant is not present in population databases (gnomAD no frequency). Disruption of this splice site has been observed in individual(s) with autosomal dominant COL6A2-related conditions (PMID: 17886299; Invitae). ClinVar contains an entry for this variant (Variation ID: 476446). Studies have shown that disruption of this splice site is associated with altered splicing resulting in multiple RNA products (PMID: 17886299). For these reasons, this variant has been classified as Pathogenic.

GeneDx
Classification: Pathogenic. Last evaluated: 2018-01-24. Review status: criteria provided, single submitter. Criteria: GeneDx Variant Classification (06012015). Collection method: clinical testing. Allele origin: germline. Affected: yes.
Comment: The c.1000-2 A>C splice site variant in the COL6A2 gene destroys the canonical splice acceptor site for intron 10. It is predicted to cause abnormal gene splicing, either leading to an abnormal message that is subject to nonsense-mediated mRNA decay, or to an abnormal protein product if the message is used for protein translation. This splice site variant occurs within the the triple helical (TH) domain of collagen VI, a region that is well-conserved across species. Additionally, this variant is not observed in large population cohorts (Lek et al., 2016). We interpret c.1000-2 A>C as a pathogenic variant.

Eurofins Ntd Llc (ga)
Classification: Pathogenic. Last evaluated: 2017-01-05. Review status: criteria provided, single submitter. Criteria: EGL Classification Definitions 2015. Collection method: clinical testing. Allele origin: germline. Observed: 1 variant allele, 1 heterozygote.

Literature cited by the submitters: PubMed 16199547 (cited by Labcorp Genetics (formerly Invitae), Labcorp); PubMed 21280092 (cited by Labcorp Genetics (formerly Invitae), Labcorp); PubMed 20976770 (cited by Labcorp Genetics (formerly Invitae), Labcorp); PubMed 18366090 (cited by Labcorp Genetics (formerly Invitae), Labcorp); PubMed 17886299 (cited by Labcorp Genetics (formerly Invitae), Labcorp).